The following is an entry in ClinVar:

NM_001278512.2(AP3B2):c.264+8C>A

Genes: AP3B2 (adaptor related protein complex 3 subunit beta 2; minus strand), CPEB1-AS1 (CPEB1 antisense RNA 1; plus strand). Cytogenetic location: 15q25.2.
Variant type: single nucleotide variant.
Coding change: c.264+8C>A on transcript NM_001278512.2 (MANE Select); 8 bases into the intron after coding-DNA position 264, C replaced by A.
Molecular consequence: intron variant.
Genome position (GRCh38, 1-based): chr15:82,689,150, G>T on the plus strand (C>A on the coding strand, the complement: AP3B2 is on the minus strand). VCF-style: chr15-82689150-G-T. GRCh37 (hg19) VCF-style: chr15-83357902-G-T.
Other names: c.264+8C>A (NM_001278511.2, NM_004644.5, NM_001348440.2).
Identifiers: ClinVar variation 779905 (VCV000779905.11), dbSNP rs370815736, ClinGen allele CA7700554.
Genomic context (GRCh38, chr15:82,689,150, plus strand): 5'-TCACCCCAAGCTTGAGTGTGGTCCTGGGGGAGGTGGGGACAAGCAATCCCTCACCAGGTA[G>T]TGCTCACCTCTATGTTCTTACAGGCCACGTTCTTCACCACCGCGGGAAACAGGTCTGAAG-3'

ClinVar aggregate classification (germline): Likely benign. Review status: criteria provided, single submitter (1 of 4 stars). 2 submissions from 2 submitters: Likely benign (1). 1 of the submissions does not count toward it. Last evaluated 2026-01-19.

Conditions:
AP3B2-related disorder. Also called: AP3B2-related condition.

Allele frequency attached by ClinVar (database versions not stated): gnomAD exomes 0.00009; ExAC 0.00013; gnomAD 0.00044 and 0.00046; TOPMed 0.00044; ESP Exome Variant Server 0.00057; 1000 Genomes Project 30x 0.00062; 1000 Genomes Project 0.00080.
gnomAD v4.1: 106 of 1,613,612 alleles (0.0066%); highest among the groups gnomAD compares: African/African-American, 0.13%; no homozygotes.

Submissions (2):

Labcorp Genetics (formerly Invitae), Labcorp
Classification: Likely benign. Last evaluated: 2026-01-19. Review status: criteria provided, single submitter. Criteria: Invitae Variant Classification Sherloc (09022015). Collection method: clinical testing. Allele origin: germline.

PreventionGenetics, part of Exact Sciences
Classification: Likely benign for AP3B2-related condition. Last evaluated: 2024-07-29. Review status: no assertion criteria provided. Collection method: clinical testing. Allele origin: germline. Not counted in ClinVar's aggregate classification.
Comment: This variant is classified as likely benign based on ACMG/AMP sequence variant interpretation guidelines (Richards et al. 2015 PMID: 25741868, with internal and published modifications).